The following is an entry in ClinVar:

NM_018706.7(DHTKD1):c.2432A>G (p.Lys811Arg)

Gene: DHTKD1 (dehydrogenase E1 and transketolase domain containing 1; plus strand). Cytogenetic location: 10p14.
Variant type: single nucleotide variant.
Coding change: c.2432A>G on transcript NM_018706.7 (MANE Select); coding-DNA position 2432, A replaced by G.
Protein change: p.Lys811Arg; replaces lysine 811 with arginine.
Molecular consequence: missense variant.
Genome position (GRCh38, 1-based): chr10:12,118,778, A>G. VCF-style: chr10-12118778-A-G. GRCh37 (hg19) VCF-style: chr10-12160777-A-G.
Other names: c.2432A>G (NM_018706.6); short protein forms K811R.
Identifiers: ClinVar variation 2007939 (VCV002007939.5), dbSNP rs750663649, ClinGen allele CA5408272.

ClinVar aggregate classification (germline): Uncertain significance. Review status: criteria provided, multiple submitters, no conflicts (2 of 4 stars). 2 submissions from 2 submitters: Uncertain significance (2). Last evaluated 2023-05-09.

Conditions:
2-aminoadipic 2-oxoadipic aciduria (AAKAD). Also called: ALPHA-AMINOADIPIC AND ALPHA-KETOADIPIC ACIDURIA; Aminoadipic aciduria. Identifiers: Orphanet 79154, MedGen C1859817, MONDO:0008774, OMIM 204750.

Allele frequency attached by ClinVar (database versions not stated): ExAC 0.00001; gnomAD exomes 0.00001.
gnomAD v4.1: 8 of 1,597,282 alleles (0.0005%); highest among the groups gnomAD compares: Non-Finnish European, 0.00068%; no homozygotes.

Submissions (2):

GeneDx
Classification: Uncertain significance. Last evaluated: 2023-05-09. Review status: criteria provided, single submitter. Criteria: GeneDx Variant Classification Process June 2021. Collection method: clinical testing. Allele origin: germline. Affected: yes.
Comment: Not observed at significant frequency in large population cohorts (gnomAD); In silico analysis supports that this missense variant has a deleterious effect on protein structure/function; Has not been previously published as pathogenic or benign to our knowledge

Labcorp Genetics (formerly Invitae), Labcorp
Classification: Uncertain significance for 2-aminoadipic 2-oxoadipic aciduria. Last evaluated: 2022-10-09. Review status: criteria provided, single submitter. Criteria: Invitae Variant Classification Sherloc (09022015). Collection method: clinical testing. Allele origin: germline.
Comment: In summary, the available evidence is currently insufficient to determine the role of this variant in disease. Therefore, it has been classified as a Variant of Uncertain Significance. Advanced modeling of protein sequence and biophysical properties (such as structural, functional, and spatial information, amino acid conservation, physicochemical variation, residue mobility, and thermodynamic stability) performed at Invitae indicates that this missense variant is not expected to disrupt DHTKD1 protein function. This variant has not been reported in the literature in individuals affected with DHTKD1-related conditions. This variant is present in population databases (rs750663649, gnomAD 0.0009%). This sequence change replaces lysine, which is basic and polar, with arginine, which is basic and polar, at codon 811 of the DHTKD1 protein (p.Lys811Arg).